The following is an entry in ClinVar:

ClinVar aggregate classification (germline): Uncertain significance (1 of 4 stars; one submission).

Conditions:
Fanconi anemia complementation group O. Also called: RAD51C-Related Fanconi Anemia. Identifiers: Orphanet 84, MedGen C3150653, MONDO:0013248, OMIM 613390.

Submission:

Labcorp Genetics (formerly Invitae), Labcorp
Classification: Uncertain significance for Fanconi anemia complementation group O. Last evaluated: 2022-05-04. Review status: criteria provided, single submitter. Criteria: Invitae Variant Classification Sherloc (09022015). Collection method: clinical testing. Allele origin: germline.
Comment: This variant has not been reported in the literature in individuals affected with RAD51C-related conditions. In summary, the available evidence is currently insufficient to determine the role of this variant in disease. Therefore, it has been classified as a Variant of Uncertain Significance. Algorithms developed to predict the effect of missense changes on protein structure and function output the following: SIFT: "Tolerated"; PolyPhen-2: "Benign"; Align-GVGD: "Class C0". The serine amino acid residue is found in multiple mammalian species, which suggests that this missense change does not adversely affect protein function. This variant is not present in population databases (gnomAD no frequency). This sequence change replaces arginine, which is basic and polar, with serine, which is neutral and polar, at codon 74 of the RAD51C protein (p.Arg74Ser).

NM_058216.3(RAD51C):c.222A>C (p.Arg74Ser)

Gene: RAD51C (RAD51 paralog C; plus strand). Cytogenetic location: 17q22.
Variant type: single nucleotide variant.
Coding change: c.222A>C on transcript NM_058216.3 (MANE Select); coding-DNA position 222, A replaced by C.
Protein change: p.Arg74Ser; replaces arginine 74 with serine.
Molecular consequence: missense variant. On other transcripts: non-coding transcript variant (2).
Genome position (GRCh38, 1-based): chr17:58,695,007, A>C. VCF-style: chr17-58695007-A-C. GRCh37 (hg19) VCF-style: chr17-56772368-A-C.
Other names: c.222A>C, p.Arg74Ser (NM_002876.4, NM_058217.1); short protein forms R74S.
Identifiers: ClinVar variation 2142205 (VCV002142205.4), dbSNP rs2047945471, ClinGen allele CA400340158.